The following is an entry in ClinVar:

ClinVar aggregate classification (germline): Uncertain significance (1 of 4 stars; one submission).

gnomAD v4.1: 4 of 1,614,046 alleles (0.00025%); highest among the groups gnomAD compares: Non-Finnish European, 0.00034%; no homozygotes.

Submission:

CeGaT Center for Human Genetics Tuebingen
Classification: Uncertain significance. Last evaluated: 2026-03-01. Review status: criteria provided, single submitter. Criteria: CeGaT Center For Human Genetics Tuebingen Variant Classification Criteria Version 2. Collection method: clinical testing. Allele origin: germline. Affected: yes. Observed: 1 variant allele.
Comment: CAMK2A: PM2, PP2

NM_015981.4(CAMK2A):c.815C>T (p.Ser272Leu)

Gene: CAMK2A (calcium/calmodulin dependent protein kinase II alpha; minus strand). Cytogenetic location: 5q32.
Variant type: single nucleotide variant.
Coding change: c.815C>T on transcript NM_015981.4 (MANE Select); coding-DNA position 815, C replaced by T.
Protein change: p.Ser272Leu; replaces serine 272 with leucine.
Molecular consequence: missense variant.
Genome position (GRCh38, 1-based): chr5:150,250,689, G>A on the plus strand (C>T on the coding strand, the complement: CAMK2A is on the minus strand). VCF-style: chr5-150250689-G-A. GRCh37 (hg19) VCF-style: chr5-149630252-G-A.
Other names: c.815C>T, p.Ser272Leu (NM_001363989.1, NM_001363990.1, NM_001369025.2 and 1 more transcripts); short protein forms S272L.
Identifiers: ClinVar variation 4823790 (VCV004823790.4).